The following is an entry in ClinVar:

NM_078480.3(PUF60):c.182C>T (p.Pro61Leu)

Gene: PUF60 (poly(U) binding splicing factor 60; minus strand). Cytogenetic location: 8q24.3.
Variant type: single nucleotide variant.
Coding change: c.182C>T on transcript NM_078480.3 (MANE Select); coding-DNA position 182, C replaced by T.
Protein change: p.Pro61Leu; replaces proline 61 with leucine.
Molecular consequence: missense variant.
Genome position (GRCh38, 1-based): chr8:143,821,843, G>A on the plus strand (C>T on the coding strand, the complement: PUF60 is on the minus strand). VCF-style: chr8-143821843-G-A. GRCh37 (hg19) VCF-style: chr8-144904013-G-A.
Other names: c.293C>T, p.Pro98Leu (NM_001362897.2, NM_001362895.2, NM_001362896.2); c.182C>T, p.Pro61Leu (NM_014281.5); c.53C>T, p.Pro18Leu (NM_001136033.3, NM_001271100.2); c.179C>T, p.Pro60Leu (NM_001271096.2, NM_001271098.2); c.95C>T, p.Pro32Leu (NM_001271097.2, NM_001271099.2); short protein forms P18L, P32L, P60L, P61L, P98L.
Identifiers: ClinVar variation 3900793 (VCV003900793.2).

ClinVar aggregate classification (germline): Uncertain significance (1 of 4 stars; one submission).

Submission:

GeneDx
Classification: Uncertain significance. Last evaluated: 2026-10-22. Review status: criteria provided, single submitter. Criteria: GeneDx Variant Classification Process June 2021. Collection method: clinical testing. Allele origin: germline.
Comment: Not observed at significant frequency in large population cohorts (gnomAD); In silico analysis supports that this missense variant has a deleterious effect on protein structure/function; Has not been previously published as pathogenic or benign to our knowledge